The following is an entry in ClinVar:

ClinVar aggregate classification (germline): Conflicting classifications of pathogenicity. Review status: criteria provided, conflicting classifications (1 of 4 stars). 7 submissions from 5 submitters: Uncertain significance (4); Likely benign (2). 1 of the submissions does not count toward it. Last evaluated 2024-04-04.

Conditions:
Familial Mediterranean fever, autosomal dominant. Also called: Dominant Familial Mediterranean Fever; FMF, AUTOSOMAL DOMINANT. Identifiers: Orphanet 342, MedGen C1851347, MONDO:0007601, OMIM 134610.
Familial Mediterranean fever (FMF). Also called: POLYSEROSITIS, FAMILIAL PAROXYSMAL; POLYSEROSITIS, RECURRENT; Periodic peritonitis; Benign paroxysmal peritonitis. Identifiers: Orphanet 342, MedGen C0031069, MONDO:0018088, OMIM 249100. Disease mechanism: gain of function.
Acute febrile neutrophilic dermatosis (AFND). Also called: Sweet Syndrome; Gomm Button disease. Identifiers: Orphanet 3243, MedGen C0085077, MONDO:0011959, OMIM 608068.

Allele frequency attached by ClinVar (database versions not stated): TOPMed 0.00001; 1000 Genomes Project 0.00020; 1000 Genomes Project 30x 0.00016.
gnomAD v4.1: 26 of 1,613,968 alleles (0.0016%); highest among the groups gnomAD compares: East Asian, 0.058%; 1 homozygote.

Submissions (7):

Genomic Medicine Center of Excellence, King Faisal Specialist Hospital and Research Centre
Classification: Uncertain significance for Familial Mediterranean fever. Last evaluated: 2024-04-04. Review status: criteria provided, single submitter. Criteria: ACMG Guidelines, 2015. Collection method: clinical testing. Allele origin: germline.

Genome-Nilou Lab
Classification: Uncertain significance for Familial Mediterranean fever. Last evaluated: 2023-02-08. Review status: criteria provided, single submitter. Criteria: ACMG Guidelines, 2015. Collection method: clinical testing. Allele origin: germline.

Genome-Nilou Lab
Classification: Likely benign for Familial Mediterranean fever, autosomal dominant. Last evaluated: 2023-02-08. Review status: criteria provided, single submitter. Criteria: ACMG Guidelines, 2015. Collection method: clinical testing. Allele origin: germline.

Genome-Nilou Lab
Classification: Likely benign for Acute febrile neutrophilic dermatosis. Last evaluated: 2023-02-08. Review status: criteria provided, single submitter. Criteria: ACMG Guidelines, 2015. Collection method: clinical testing. Allele origin: germline.

Labcorp Genetics (formerly Invitae), Labcorp
Classification: Uncertain significance for Familial Mediterranean fever. Last evaluated: 2021-08-30. Review status: criteria provided, single submitter. Criteria: Invitae Variant Classification Sherloc (09022015). Collection method: clinical testing. Allele origin: germline.
Comment: This sequence change replaces isoleucine with methionine at codon 591 of the MEFV protein (p.Ile591Met). The isoleucine residue is weakly conserved and there is a small physicochemical difference between isoleucine and methionine. This variant is present in population databases (rs141706767, ExAC 0.03%). This missense change has been observed in individual(s) with periodic fever, aphthous stomatitis, pharyngitis and adenitis (PFAPA) syndrome (PMID: 24760114). Algorithms developed to predict the effect of missense changes on protein structure and function output the following: SIFT: "Deleterious"; PolyPhen-2: "Benign"; Align-GVGD: "Class C0". The methionine amino acid residue is found in multiple mammalian species, which suggests that this missense change does not adversely affect protein function. In summary, the available evidence is currently insufficient to determine the role of this variant in disease. Therefore, it has been classified as a Variant of Uncertain Significance.

Mendelics
Classification: Uncertain significance for Familial Mediterranean fever. Last evaluated: 2019-05-28. Review status: criteria provided, single submitter. Criteria: Mendelics Assertion Criteria 2017. Collection method: clinical testing. Allele origin: unknown.

Natera, Inc.
Classification: Uncertain significance for Familial Mediterranean fever. Last evaluated: 2020-03-30. Review status: no assertion criteria provided. Collection method: clinical testing. Allele origin: germline. Not counted in ClinVar's aggregate classification.

Literature cited by the submitters: PubMed 24760114 (cited by Labcorp Genetics (formerly Invitae), Labcorp).

NM_000243.3(MEFV):c.1773T>G (p.Ile591Met)

Genes: MEFV (MEFV innate immunity regulator, pyrin; minus strand), LOC126862264 (CDK7 strongly-dependent group 2 enhancer GRCh37_chr16:3293322-3294521; plus strand). Cytogenetic location: 16p13.3.
Variant type: single nucleotide variant.
Coding change: c.1773T>G on transcript NM_000243.3 (MANE Select); coding-DNA position 1773, T replaced by G.
Protein change: p.Ile591Met; replaces isoleucine 591 with methionine.
Molecular consequence: missense variant.
Genome position (GRCh38, 1-based): chr16:3,243,879, A>C on the plus strand (T>G on the coding strand, the complement: MEFV is on the minus strand). VCF-style: chr16-3243879-A-C. GRCh37 (hg19) VCF-style: chr16-3293879-A-C.
Other names: c.1315T>G, p.Trp439Gly (NM_001198536.2); short protein forms W439G, I591M.
Identifiers: ClinVar variation 803185 (VCV000803185.13), dbSNP rs141706767, ClinGen allele CA7859930.